The following is an entry in ClinVar:

NM_006231.4(POLE):c.1513C>G (p.Leu505Val)

Gene: POLE (DNA polymerase epsilon, catalytic subunit; minus strand). Cytogenetic location: 12q24.33.
Variant type: single nucleotide variant.
Coding change: c.1513C>G on transcript NM_006231.4 (MANE Select); coding-DNA position 1513, C replaced by G.
Protein change: p.Leu505Val; replaces leucine 505 with valine.
Molecular consequence: missense variant.
Genome position (GRCh38, 1-based): chr12:132,672,800, G>C on the plus strand (C>G on the coding strand, the complement: POLE is on the minus strand). VCF-style: chr12-132672800-G-C. GRCh37 (hg19) VCF-style: chr12-133249386-G-C.
Other names: short protein forms L505V.
Identifiers: ClinVar variation 1508207 (VCV001508207.8), dbSNP rs1354961134, ClinGen allele CA387357510.
Genomic context (GRCh38, chr12:132,672,800, plus strand): 5'-TGAACTCCTGCTCTTGCTTGTTGGGGAAGATGATGTTGGCGTGGAAGGCCTGCACCATCA[G>C]CAAGGCCTCACACAGAGTGCCAGAGCCCTTCCGCAGCACCTGCAAGAGAAACCAAGGCTT-3'
Protein context (NP_006222.2, residues 495-515): KGSGTLCEAL[Leu505Val]MVQAFHANII

ClinVar aggregate classification (germline): Uncertain significance (1 of 4 stars; one submission).

Submission:

Labcorp Genetics (formerly Invitae), Labcorp
Classification: Uncertain significance. Last evaluated: 2021-05-26. Review status: criteria provided, single submitter. Criteria: Invitae Variant Classification Sherloc (09022015). Collection method: clinical testing. Allele origin: germline.
Comment: This sequence change replaces leucine with valine at codon 505 of the POLE protein (p.Leu505Val). The leucine residue is highly conserved and there is a small physicochemical difference between leucine and valine. This variant is not present in population databases (ExAC no frequency). This variant has not been reported in the literature in individuals with POLE-related conditions. Algorithms developed to predict the effect of missense changes on protein structure and function (SIFT, PolyPhen-2, Align-GVGD) all suggest that this variant is likely to be disruptive, but these predictions have not been confirmed by published functional studies and their clinical significance is uncertain. Algorithms developed to predict the effect of sequence changes on RNA splicing suggest that this variant may create or strengthen a splice site, but this prediction has not been confirmed by published transcriptional studies. In summary, the available evidence is currently insufficient to determine the role of this variant in disease. Therefore, it has been classified as a Variant of Uncertain Significance.